The following is an entry in ClinVar:

ClinVar aggregate classification (germline): Pathogenic. Review status: criteria provided, multiple submitters, no conflicts (2 of 4 stars). 6 submissions from 6 submitters: Pathogenic (6). Last evaluated 2025-12-04.

Conditions:
Birt-Hogg-Dube syndrome 1 (BHD1). Also called: FIBROFOLLICULOMAS WITH TRICHODISCOMAS AND ACROCHORDONS. Identifiers: Orphanet 122, MedGen CN375946, MONDO:0800445, OMIM 135150.
Hereditary cancer-predisposing syndrome. Also called: Hereditary neoplastic syndrome; Tumor predisposition; Neoplastic Syndromes, Hereditary; Hereditary Cancer Syndrome. Identifiers: Orphanet 140162, MedGen C0027672, MeSH D009386, MONDO:0015356.
Birt-Hogg-Dube syndrome. Also called: Birt Hogg Dubé syndrome. Identifiers: Orphanet 122, MedGen C0346010, MONDO:0800444.

Submissions (6):

GeneDx
Classification: Pathogenic. Last evaluated: 2025-12-04. Review status: criteria provided, single submitter. Criteria: GeneDx Variant Classification Process June 2021. Collection method: clinical testing. Allele origin: germline. Affected: yes.
Comment: Nonsense variant predicted to result in protein truncation or nonsense mediated decay in a gene for which loss of function is a known mechanism of disease; Not observed at significant frequency in large population cohorts (gnomAD); This variant is associated with the following publications: (PMID: 35441217)

Ambry Genetics
Classification: Pathogenic for Hereditary cancer-predisposing syndrome. Last evaluated: 2024-03-06. Review status: criteria provided, single submitter. Criteria: Ambry Variant Classification Scheme 2023. Collection method: clinical testing. Allele origin: germline.
Comment: The p.C11* pathogenic mutation (also known as c.33C>A), located in coding exon 1 of the FLCN gene, results from a C to A substitution at nucleotide position 33. This changes the amino acid from a cysteine to a stop codon within coding exon 1. In a series of 1336 individuals with renal cell carcinoma, this alteration was observed once (Yngvadottir B et al. Hum Mol Genet, 2022 Aug;31:3001-3011). This variant has been observed in at least one individual with a personal and/or family history that is consistent with Birt-Hogg-Dube syndrome (Ambry internal data). This alteration is expected to result in loss of function by premature protein truncation or nonsense-mediated mRNA decay. This variant is considered to be rare based on population cohorts in the Genome Aggregation Database (gnomAD). As such, this alteration is interpreted as a disease-causing mutation.

Baylor Genetics
Classification: Pathogenic for Birt-Hogg-Dube syndrome 1. Last evaluated: 2024-02-16. Review status: criteria provided, single submitter. Criteria: ACMG Guidelines, 2015. Collection method: clinical testing. Allele origin: unknown.

Quest Diagnostics Nichols Institute San Juan Capistrano
Classification: Pathogenic. Last evaluated: 2023-08-25. Review status: criteria provided, single submitter. Criteria: Quest Diagnostics criteria. Collection method: clinical testing. Allele origin: unknown.
Comment: This variant causes the premature termination of FLCN protein synthesis. In the published literature, this variant has been reported in an individual with renal cell carcinoma (PMID: 35441217 (2022)). This variant has not been reported in large, multi-ethnic general populations (Genome Aggregation Database). Based on the available information, this variant is classified as pathogenic.

Myriad Genetics, Inc.
Classification: Pathogenic for Birt-Hogg-Dube syndrome 1. Last evaluated: 2023-01-19. Review status: criteria provided, single submitter. Criteria: Myriad Autosomal Dominant, Autosomal Recessive and X-Linked Classification Criteria (2023). Collection method: clinical testing. Allele origin: unknown.
Comment: This variant is considered pathogenic. This variant creates a termination codon and is predicted to result in premature protein truncation.

Labcorp Genetics (formerly Invitae), Labcorp
Classification: Pathogenic for Birt-Hogg-Dube syndrome. Last evaluated: 2022-08-21. Review status: criteria provided, single submitter. Criteria: Invitae Variant Classification Sherloc (09022015). Collection method: clinical testing. Allele origin: germline.
Comment: ClinVar contains an entry for this variant (Variation ID: 428641). This variant has not been reported in the literature in individuals affected with FLCN-related conditions. This variant is not present in population databases (gnomAD no frequency). This sequence change creates a premature translational stop signal (p.Cys11*) in the FLCN gene. It is expected to result in an absent or disrupted protein product. Loss-of-function variants in FLCN are known to be pathogenic (PMID: 15852235). For these reasons, this variant has been classified as Pathogenic.

Literature cited by the submitters: PubMed 35441217 (cited by Ambry Genetics and Quest Diagnostics Nichols Institute San Juan Capistrano); PubMed 15852235 (cited by Labcorp Genetics (formerly Invitae), Labcorp).

NM_144997.7(FLCN):c.33C>A (p.Cys11Ter)

Gene: FLCN (folliculin; minus strand). Cytogenetic location: 17p11.2.
Variant type: single nucleotide variant.
Coding change: c.33C>A on transcript NM_144997.7 (MANE Select); coding-DNA position 33, C replaced by A.
Protein change: p.Cys11Ter; replaces cysteine 11 with a stop codon.
Molecular consequence: nonsense.
Genome position (GRCh38, 1-based): chr17:17,228,105, G>T on the plus strand (C>A on the coding strand, the complement: FLCN is on the minus strand). VCF-style: chr17-17228105-G-T. GRCh37 (hg19) VCF-style: chr17-17131419-G-T.
Other names: c.33C>A, p.Cys11Ter (NM_001353229.2, NM_001353230.2, NM_001353231.2 and 1 more transcripts); c.33C>A (LRG_325t1, NM_144997.6); short protein forms C11*.
Identifiers: ClinVar variation 428641 (VCV000428641.18), dbSNP rs754616167, ClinGen allele CA398535464.